The following is an entry in ClinVar:

NM_000038.6(APC):c.5359A>G (p.Thr1787Ala)

Gene: APC (APC regulator of Wnt signaling pathway; plus strand). Cytogenetic location: 5q22.2.
Variant type: single nucleotide variant.
Coding change: c.5359A>G on transcript NM_000038.6 (MANE Select); coding-DNA position 5359, A replaced by G.
Protein change: p.Thr1787Ala; replaces threonine 1787 with alanine.
Molecular consequence: missense variant.
Genome position (GRCh38, 1-based): chr5:112,840,953, A>G. VCF-style: chr5-112840953-A-G. GRCh37 (hg19) VCF-style: chr5-112176650-A-G.
Other names: c.5359A>G, p.Thr1787Ala (NM_001127510.3, NM_001354895.2); c.5305A>G, p.Thr1769Ala (NM_001127511.3); c.5413A>G, p.Thr1805Ala (NM_001354896.2); c.5389A>G, p.Thr1797Ala (NM_001354897.2); c.5284A>G, p.Thr1762Ala (NM_001354898.2); c.5275A>G, p.Thr1759Ala (NM_001354899.2); c.5236A>G, p.Thr1746Ala (NM_001354900.2); c.5182A>G, p.Thr1728Ala (NM_001354901.2); and 5 more; short protein forms T1769A, T1787A, T1746A, T1728A, T1759A, T1504A, T1627A, T1686A.
Identifiers: ClinVar variation 482403 (VCV000482403.18), dbSNP rs1312187161, ClinGen allele CA16033047.

ClinVar aggregate classification (germline): Uncertain significance. Review status: criteria provided, multiple submitters, no conflicts (2 of 4 stars). 2 submissions from 2 submitters: Uncertain significance (2). Last evaluated 2025-10-07.

Conditions:
Familial adenomatous polyposis 1 (FAP1). Also called: FAMILIAL ADENOMATOUS POLYPOSIS 1, ATTENUATED; POLYPOSIS, ADENOMATOUS INTESTINAL. Identifiers: MedGen C2713442, MONDO:0021056, OMIM 175100. Disease mechanism: loss of function.
Hereditary cancer-predisposing syndrome. Also called: Neoplastic Syndromes, Hereditary; Tumor predisposition; Hereditary Cancer Syndrome; Hereditary neoplastic syndrome. Identifiers: Orphanet 140162, MedGen C0027672, MeSH D009386, MONDO:0015356.

Allele frequency attached by ClinVar (database versions not stated): gnomAD exomes below 0.00001 and 0.00001; TOPMed 0.00001.
gnomAD v4.1: 4 of 1,613,052 alleles (0.00025%); highest among the groups gnomAD compares: African/African-American, 0.0013%; no homozygotes.

Submissions (2):

Labcorp Genetics (formerly Invitae), Labcorp
Classification: Uncertain significance for Familial adenomatous polyposis 1. Last evaluated: 2025-10-07. Review status: criteria provided, single submitter. Criteria: Invitae Variant Classification Sherloc (09022015). Collection method: clinical testing. Allele origin: germline.
Comment: This sequence change replaces threonine, which is neutral and polar, with alanine, which is neutral and non-polar, at codon 1787 of the APC protein (p.Thr1787Ala). This variant is present in population databases (no rsID available, gnomAD 0.0009%). This variant has not been reported in the literature in individuals affected with APC-related conditions. ClinVar contains an entry for this variant (Variation ID: 482403). Invitae Evidence Modeling of protein sequence and biophysical properties (such as structural, functional, and spatial information, amino acid conservation, physicochemical variation, residue mobility, and thermodynamic stability) indicates that this missense variant is not expected to disrupt APC protein function with a negative predictive value of 95%. In summary, the available evidence is currently insufficient to determine the role of this variant in disease. Therefore, it has been classified as a Variant of Uncertain Significance.

Ambry Genetics
Classification: Uncertain significance for Hereditary cancer-predisposing syndrome. Last evaluated: 2025-02-13. Review status: criteria provided, single submitter. Criteria: Ambry Variant Classification Scheme 2023. Collection method: clinical testing. Allele origin: germline.
Comment: The p.T1787A variant (also known as c.5359A>G), located in coding exon 15 of the APC gene, results from an A to G substitution at nucleotide position 5359. The threonine at codon 1787 is replaced by alanine, an amino acid with similar properties. This amino acid position is not well conserved in available vertebrate species. In addition, in silico predictors for this gene do not accurately predict pathogenicity. Missense alterations in APC are not a common cause of disease (Spier I et al. Genet Med. 2024 Feb;26(2):100992). Based on the available evidence, the clinical significance of this variant remains unclear.